The following is an entry in ClinVar:

NM_000051.4(ATM):c.3521T>C (p.Phe1174Ser)

Gene: ATM (ATM serine/threonine kinase; plus strand). Cytogenetic location: 11q22.3.
Variant type: single nucleotide variant.
Coding change: c.3521T>C on transcript NM_000051.4 (MANE Select); coding-DNA position 3521, T replaced by C.
Protein change: p.Phe1174Ser; replaces phenylalanine 1174 with serine.
Molecular consequence: missense variant.
Genome position (GRCh38, 1-based): chr11:108,281,113, T>C. VCF-style: chr11-108281113-T-C. GRCh37 (hg19) VCF-style: chr11-108151840-T-C.
Other names: c.3521T>C, p.Phe1174Ser (NM_001351834.2); short protein forms F1174S.
Identifiers: ClinVar variation 479074 (VCV000479074.20), dbSNP rs1416574870, ClinGen allele CA382520044.

ClinVar aggregate classification (germline): Uncertain significance. Review status: criteria provided, multiple submitters, no conflicts (2 of 4 stars). 4 submissions from 4 submitters: Uncertain significance (3). 1 of the submissions does not count toward it. Last evaluated 2025-10-23.

Conditions:
Hereditary cancer-predisposing syndrome. Also called: Tumor predisposition; Neoplastic Syndromes, Hereditary; Hereditary Cancer Syndrome; Hereditary neoplastic syndrome. Identifiers: Orphanet 140162, MedGen C0027672, MeSH D009386, MONDO:0015356.
Ataxia-telangiectasia syndrome (AT). Also called: Cerebello-oculocutaneous telangiectasia; Immunodeficiency with ataxia telangiectasia; ATAXIA-TELANGIECTASIA, COMPLEMENTATION GROUP A; Ataxia-telangiectasia, complementation group D; AT, COMPLEMENTATION GROUP C; ATAXIA-TELANGIECTASIA, FRESNO VARIANT. Identifiers: Orphanet 100, MedGen C0004135, MONDO:0008840, OMIM 208900.

Allele frequency attached by ClinVar (database versions not stated): gnomAD exomes below 0.00001; gnomAD 0.00001.
gnomAD v4.1: 7 of 1,614,076 alleles (0.00043%); highest among the groups gnomAD compares: Non-Finnish European, 0.00051%; no homozygotes.

Submissions (4):

Labcorp Genetics (formerly Invitae), Labcorp
Classification: Uncertain significance for Ataxia-telangiectasia syndrome. Last evaluated: 2025-10-23. Review status: criteria provided, single submitter. Criteria: Invitae Variant Classification Sherloc (09022015). Collection method: clinical testing. Allele origin: germline.
Comment: This sequence change replaces phenylalanine, which is neutral and non-polar, with serine, which is neutral and polar, at codon 1174 of the ATM protein (p.Phe1174Ser). This variant is present in population databases (no rsID available, gnomAD 0.007%). This variant has not been reported in the literature in individuals affected with ATM-related conditions. ClinVar contains an entry for this variant (Variation ID: 479074). Invitae Evidence Modeling of protein sequence and biophysical properties (such as structural, functional, and spatial information, amino acid conservation, physicochemical variation, residue mobility, and thermodynamic stability) has been performed for this missense variant. However, the output from this modeling did not meet the statistical confidence thresholds required to predict the impact of this variant on ATM protein function. In summary, the available evidence is currently insufficient to determine the role of this variant in disease. Therefore, it has been classified as a Variant of Uncertain Significance.

Ambry Genetics
Classification: Uncertain significance for Hereditary cancer-predisposing syndrome. Last evaluated: 2024-10-29. Review status: criteria provided, single submitter. Criteria: Ambry Variant Classification Scheme 2023. Collection method: clinical testing. Allele origin: germline.
Comment: The p.F1174S variant (also known as c.3521T>C), located in coding exon 23 of the ATM gene, results from a T to C substitution at nucleotide position 3521. The phenylalanine at codon 1174 is replaced by serine, an amino acid with highly dissimilar properties. This variant has been reported in 2 of 13087 breast cancer cases and 1 of 5488 control individuals in the UK (Decker B et al. J Med Genet, 2017 11;54:732-741). This amino acid position is highly conserved in available vertebrate species. In addition, this alteration is predicted to be deleterious by in silico analysis. Based on the available evidence, the clinical significance of this variant remains unclear.

GeneDx
Classification: Uncertain significance. Last evaluated: 2024-09-06. Review status: criteria provided, single submitter. Criteria: GeneDx Variant Classification Process June 2021. Collection method: clinical testing. Allele origin: germline. Affected: yes.
Comment: Not observed at significant frequency in large population cohorts (gnomAD); In silico analysis supports that this missense variant has a deleterious effect on protein structure/function; This variant is associated with the following publications: (PMID: 19781682, 28779002, 35585550)

Natera, Inc.
Classification: Uncertain significance for Ataxia-telangiectasia. Last evaluated: 2020-10-20. Review status: no assertion criteria provided. Collection method: clinical testing. Allele origin: germline. Not counted in ClinVar's aggregate classification.

Literature cited by the submitters: PubMed 28779002 (cited by Ambry Genetics).